The following is an entry in ClinVar:

NM_000206.3(IL2RG):c.147_169dup (p.Leu57fs)

Gene: IL2RG (interleukin 2 receptor subunit gamma; minus strand). Cytogenetic location: Xq13.1.
Variant type: Duplication.
Coding change: c.147_169dup on transcript NM_000206.3 (MANE Select); coding-DNA positions 147 to 169, 23 bases duplicated (CCTCAGTGTTTCCACTCTGCCCC).
Protein change: p.Leu57fs; shifts the reading frame from leucine 57.
Molecular consequence: frameshift variant.
Genome position (GRCh38, 1-based): chrX:71,110,997-71,111,019, GGGGCAGAGTGGAAACACTGAGG duplicated on the plus strand (CCTCAGTGTTTCCACTCTGCCCC on the coding strand, the reverse complement: IL2RG is on the minus strand); duplicating any 23 consecutive bases within chrX:71,110,997-71,111,020 gives the same sequence; the c. name uses the placement nearest the transcript's 3' end. VCF-style (leftmost placement, unchanged base first): chrX-71110996-A-AGGGGCAGAGTGGAAACACTGAGG. GRCh37 (hg19) VCF-style: chrX-70330846-A-AGGGGCAGAGTGGAAACACTGAGG.
Other names: short protein forms L57fs.
Identifiers: ClinVar variation 943308 (VCV000943308.7), dbSNP rs2092262555, ClinGen allele CA1139667634.

ClinVar aggregate classification (germline): Pathogenic (1 of 4 stars; one submission).

Conditions:
X-linked severe combined immunodeficiency (SCIDX1). Also called: X-Linked Combined Immunodeficiency Diseases; IMMUNODEFICIENCY 4; SCID, X-LINKED; SEVERE COMBINED IMMUNODEFICIENCY, X-LINKED, T CELL-NEGATIVE, B CELL-POSITIVE, NK CELL-NEGATIVE; T-B+ severe combined immunodeficiency due to gamma chain deficiency. Identifiers: Orphanet 276, MedGen C6022468, MONDO:0010315, OMIM 300400. Disease mechanism: loss of function.

Submission:

Labcorp Genetics (formerly Invitae), Labcorp
Classification: Pathogenic for X-linked severe combined immunodeficiency. Last evaluated: 2019-08-26. Review status: criteria provided, single submitter. Criteria: Invitae Variant Classification Sherloc (09022015). Collection method: clinical testing. Allele origin: germline.
Comment: For these reasons, this variant has been classified as Pathogenic. Loss-of-function variants in IL2RG are known to be pathogenic (PMID: 9058718, 10794430). Algorithms developed to predict the effect of sequence changes on RNA splicing suggest that this variant may create or strengthen a splice site, but this prediction has not been confirmed by published transcriptional studies. This variant has not been reported in the literature in individuals with IL2RG-related conditions. This variant is not present in population databases (ExAC no frequency). This sequence change creates a premature translational stop signal (p.Leu57Profs*22) in the IL2RG gene. It is expected to result in an absent or disrupted protein product.

Literature cited by the submitters: PubMed 9058718; PubMed 10794430.